The following is an entry in ClinVar:

NM_031942.5(CDCA7):c.1148G>A (p.Arg383His)

Gene: CDCA7 (cell division cycle associated 7; plus strand). Cytogenetic location: 2q31.1.
Variant type: single nucleotide variant.
Coding change: c.1148G>A on transcript NM_031942.5 (MANE Select); coding-DNA position 1148, G replaced by A.
Protein change: p.Arg383His; replaces arginine 383 with histidine.
Molecular consequence: missense variant.
Genome position (GRCh38, 1-based): chr2:173,366,395, G>A. VCF-style: chr2-173366395-G-A. GRCh37 (hg19) VCF-style: chr2-174231123-G-A.
Other names: c.911G>A, p.Arg304His (NM_145810.3); short protein forms R304H, R383H.
Identifiers: ClinVar variation 225531 (VCV000225531.28), dbSNP rs772929976, ClinGen allele CA1971446.

ClinVar aggregate classification (germline): Conflicting classifications of pathogenicity. Review status: criteria provided, conflicting classifications (1 of 4 stars). 3 submissions from 3 submitters: Likely pathogenic (1); Uncertain significance (1). 1 of the submissions does not count toward it. Last evaluated 2024-02-01.

Conditions:
Immunodeficiency-centromeric instability-facial anomalies syndrome 3 (ICF3). Identifiers: Orphanet 2268, MedGen C4310799, MONDO:0014828, OMIM 616910.

Allele frequency attached by ClinVar (database versions not stated): TOPMed below 0.00001; ExAC 0.00001; gnomAD 0.00001; gnomAD exomes 0.00001.
gnomAD v4.1: 17 of 1,614,054 alleles (0.0011%); highest among the groups gnomAD compares: East Asian, 0.0022%; no homozygotes.

Submissions (3):

CeGaT Center for Human Genetics Tuebingen
Classification: Likely pathogenic. Last evaluated: 2024-02-01. Review status: criteria provided, single submitter. Criteria: CeGaT Center For Human Genetics Tuebingen Variant Classification Criteria Version 2. Collection method: clinical testing. Allele origin: germline. Affected: yes. Observed: 1 variant allele.
Comment: CDCA7: PM1, PM2, PM3

Revvity Omics, Revvity
Classification: Uncertain significance for Immunodeficiency-centromeric instability-facial anomalies syndrome 3. Last evaluated: 2022-12-05. Review status: criteria provided, single submitter. Criteria: ACMG Guidelines, 2015. Collection method: clinical testing. Allele origin: germline.

OMIM
Classification: Pathogenic for IMMUNODEFICIENCY-CENTROMERIC INSTABILITY-FACIAL ANOMALIES SYNDROME 3. Last evaluated: 2019-04-05. Review status: no assertion criteria provided. Collection method: literature only. Allele origin: germline. Not counted in ClinVar's aggregate classification.

Literature cited by the submitters: PubMed 26216346 (cited by OMIM).